The following is an entry in ClinVar:

NC_000009.11:g.(?_129376729)_(129458730_?)del

Gene: LMX1B (LIM homeobox transcription factor 1 beta; plus strand). Cytogenetic location: 9q33.3.
Variant type: Deletion.
Identifiers: ClinVar variation 1459796 (VCV001459796.6).

ClinVar aggregate classification (germline): Pathogenic (1 of 4 stars; one submission).

Submission:

Labcorp Genetics (formerly Invitae), Labcorp
Classification: Pathogenic. Last evaluated: 2021-05-04. Review status: criteria provided, single submitter. Criteria: Invitae Variant Classification Sherloc (09022015). Collection method: clinical testing. Allele origin: germline.
Comment: For these reasons, this variant has been classified as Pathogenic. Similar deletions have been observed in individual(s) with nail-patella syndrome (PMID: 18414507, 25380522). In at least one individual the variant was observed to be de novo. A gross deletion of the genomic region encompassing the full coding sequence of the LMX1B gene has been identified. Loss-of-function variants in LMX1B are known to be pathogenic (PMID: 9590287, 15498463). The boundaries of this event are unknown as they extend beyond the assayed region for this gene and therefore may encompass additional genes.

Literature cited by the submitters: PubMed 18414507; PubMed 25380522; PubMed 9590287; PubMed 15498463.